The following is an entry in ClinVar:

NM_021922.3(FANCE):c.502T>C (p.Cys168Arg)

Gene: FANCE (FA complementation group E; plus strand). Cytogenetic location: 6p21.31.
Variant type: single nucleotide variant.
Coding change: c.502T>C on transcript NM_021922.3 (MANE Select); coding-DNA position 502, T replaced by C.
Protein change: p.Cys168Arg; replaces cysteine 168 with arginine.
Molecular consequence: missense variant.
Genome position (GRCh38, 1-based): chr6:35,456,000, T>C. VCF-style: chr6-35456000-T-C. GRCh37 (hg19) VCF-style: chr6-35423777-T-C.
Other names: short protein forms C168R.
Identifiers: ClinVar variation 963213 (VCV000963213.9), dbSNP rs370057221, ClinGen allele CA3771420.

ClinVar aggregate classification (germline): Uncertain significance (1 of 4 stars; one submission).

Conditions:
Fanconi anemia complementation group E (FANCE). Also called: FANCE-Related Fanconi Anemia. Identifiers: Orphanet 84, MedGen C3160739, MONDO:0010953, OMIM 600901.

Allele frequency attached by ClinVar (database versions not stated): gnomAD 0.00001; gnomAD exomes 0.00001; TOPMed 0.00001; ExAC 0.00002; ESP Exome Variant Server 0.00008.
gnomAD v4.1: 2 of 1,612,874 alleles (0.00012%); highest among the groups gnomAD compares: Non-Finnish European, 0.00017%; no homozygotes.

Submission:

Labcorp Genetics (formerly Invitae), Labcorp
Classification: Uncertain significance for Fanconi anemia complementation group E. Last evaluated: 2024-04-29. Review status: criteria provided, single submitter. Criteria: Invitae Variant Classification Sherloc (09022015). Collection method: clinical testing. Allele origin: germline.
Comment: This sequence change replaces cysteine, which is neutral and slightly polar, with arginine, which is basic and polar, at codon 168 of the FANCE protein (p.Cys168Arg). This variant is present in population databases (rs370057221, gnomAD 0.003%). This variant has not been reported in the literature in individuals affected with FANCE-related conditions. ClinVar contains an entry for this variant (Variation ID: 963213). Advanced modeling of protein sequence and biophysical properties (such as structural, functional, and spatial information, amino acid conservation, physicochemical variation, residue mobility, and thermodynamic stability) performed at Invitae indicates that this missense variant is expected to disrupt FANCE protein function with a positive predictive value of 80%. In summary, the available evidence is currently insufficient to determine the role of this variant in disease. Therefore, it has been classified as a Variant of Uncertain Significance.